The following is an entry in ClinVar:

ClinVar aggregate classification (germline): Uncertain significance. Review status: criteria provided, multiple submitters, no conflicts (2 of 4 stars). 3 submissions from 3 submitters: Uncertain significance (3). Last evaluated 2025-03-31.

Conditions:
Marfan syndrome (MFS). Also called: MARFAN SYNDROME, TYPE I; Marfan syndrome type 1; Marfan's syndrome; Marfan syndrome, classic; FBN1-Related Marfan Syndrome. Identifiers: Orphanet 284963, Orphanet 558, MedGen C0024796, MONDO:0007947, OMIM 154700.
Familial thoracic aortic aneurysm and aortic dissection (TAAD). Also called: Thoracic aortic aneurysms and dissections. Identifiers: Orphanet 91387, MedGen C4707243, MONDO:0019625.

Submissions (3):

Labcorp Genetics (formerly Invitae), Labcorp
Classification: Uncertain significance for Marfan syndrome; Familial thoracic aortic aneurysm and aortic dissection. Last evaluated: 2025-03-31. Review status: criteria provided, single submitter. Criteria: Invitae Variant Classification Sherloc (09022015). Collection method: clinical testing. Allele origin: germline.
Comment: This sequence change replaces glycine, which is neutral and non-polar, with tryptophan, which is neutral and slightly polar, at codon 1441 of the FBN1 protein (p.Gly1441Trp). This variant is not present in population databases (gnomAD no frequency). This variant has not been reported in the literature in individuals affected with FBN1-related conditions. ClinVar contains an entry for this variant (Variation ID: 2924680). Invitae Evidence Modeling of protein sequence and biophysical properties (such as structural, functional, and spatial information, amino acid conservation, physicochemical variation, residue mobility, and thermodynamic stability) indicates that this missense variant is expected to disrupt FBN1 protein function with a positive predictive value of 95%. In summary, the available evidence is currently insufficient to determine the role of this variant in disease. Therefore, it has been classified as a Variant of Uncertain Significance.

All of Us Research Program, National Institutes of Health
Classification: Uncertain significance for Marfan syndrome. Last evaluated: 2024-02-22. Review status: criteria provided, single submitter. Criteria: ACMG Guidelines, 2015. Collection method: clinical testing. Allele origin: germline. Inheritance: Autosomal dominant inheritance. Observed: 1 variant allele, 1 heterozygote.
Comment: This missense variant replaces glycine with tryptophan at codon 1441 of the FBN1 protein. Computational prediction is inconclusive regarding the impact of this variant on protein structure and function (internally defined REVEL score threshold 0.5 < inconclusive < 0.7, PMID: 27666373). To our knowledge, functional studies have not been reported for this variant. This variant has not been reported in individuals affected with FBN1-related disorders in the literature. This variant has not been identified in the general population by the Genome Aggregation Database (gnomAD). The available evidence is insufficient to determine the role of this variant in disease conclusively. Therefore, this variant is classified as a Variant of Uncertain Significance.

This study involves interpretation of variants in research participants for the purpose of population health screening. Participant phenotype was not available at the time of variant classification. Additional details can be found in publication PMID: 35346344, PMCID: PMC8962531

Revvity Omics, Revvity
Classification: Uncertain significance. Last evaluated: 2023-12-26. Review status: criteria provided, single submitter. Criteria: ACMG Guidelines, 2015. Collection method: clinical testing. Allele origin: germline.

NM_000138.5(FBN1):c.4321G>T (p.Gly1441Trp)

Genes: FBN1 (fibrillin 1; minus strand), LOC126862124 (CDK7 strongly-dependent group 2 enhancer GRCh37_chr15:48764566-48765765; plus strand). Cytogenetic location: 15q21.1.
Variant type: single nucleotide variant.
Coding change: c.4321G>T on transcript NM_000138.5 (MANE Select); coding-DNA position 4321, G replaced by T.
Protein change: p.Gly1441Trp; replaces glycine 1441 with tryptophan.
Molecular consequence: missense variant.
Genome position (GRCh38, 1-based): chr15:48,472,566, C>A on the plus strand (G>T on the coding strand, the complement: FBN1 is on the minus strand). VCF-style: chr15-48472566-C-A. GRCh37 (hg19) VCF-style: chr15-48764763-C-A.
Other names: c.4321G>T, p.Gly1441Trp (NM_001406716.1); short protein forms G1441W.
Identifiers: ClinVar variation 2924680 (VCV002924680.5), dbSNP rs372118067, ClinGen allele CA392317560.